The following is an entry in ClinVar:

ClinVar aggregate classification (germline): Conflicting classifications of pathogenicity. Review status: criteria provided, conflicting classifications (1 of 4 stars). 10 submissions from 8 submitters: Uncertain significance (1); Benign (7); Likely benign (1). 1 of the submissions does not count toward it. Last evaluated 2026-08-01.

Conditions:
Usher syndrome type 1 (USH1). Also called: RETINITIS PIGMENTOSA AND CONGENITAL DEAFNESS. Identifiers: Orphanet 231169, Orphanet 886, MedGen C1568247, MONDO:0010168, OMIM 276900.
Autosomal recessive nonsyndromic hearing loss 2. Also called: DEAFNESS, AUTOSOMAL RECESSIVE 2; NEUROSENSORY NONSYNDROMIC RECESSIVE DEAFNESS 2. Identifiers: Orphanet 90636, MedGen C1838701, MONDO:0010807, OMIM 600060.
Usher syndrome type 1B (USH1B). Also called: Usher syndrome type IB. Identifiers: MedGen C1848638, MONDO:0700087.
Autosomal dominant nonsyndromic hearing loss 11. Identifiers: Orphanet 90635, MedGen C1832475, MONDO:0011032, OMIM 601317.

Allele frequency attached by ClinVar (database versions not stated): TOPMed 0.01210; gnomAD exomes 0.01273 and 0.01128; gnomAD 0.01192 and 0.01207; ESP Exome Variant Server 0.01361; 1000 Genomes Project 0.00839; ExAC 0.01142; 1000 Genomes Project 30x 0.00843.
gnomAD v4.1: 20,549 of 1,614,090 alleles (1.3%); highest among the groups gnomAD compares: Middle Eastern, 1.6%; 166 homozygotes.

Submissions (10):

CeGaT Center for Human Genetics Tuebingen
Classification: Benign. Last evaluated: 2026-08-01. Review status: criteria provided, single submitter. Criteria: CeGaT Center For Human Genetics Tuebingen Variant Classification Criteria Version 2. Collection method: clinical testing. Allele origin: germline. Affected: yes. Observed: 20 variant alleles.
Comment: MYO7A: BP4, BS1, BS2

Labcorp Genetics (formerly Invitae), Labcorp
Classification: Benign. Last evaluated: 2026-02-04. Review status: criteria provided, single submitter. Criteria: Invitae Variant Classification Sherloc (09022015). Collection method: clinical testing. Allele origin: germline.

Genome-Nilou Lab
Classification: Benign for Usher syndrome type 1. Last evaluated: 2021-05-18. Review status: criteria provided, single submitter. Criteria: ACMG Guidelines, 2015. Collection method: clinical testing. Allele origin: germline. Affected: no.

Athena Diagnostics
Classification: Benign. Last evaluated: 2018-12-28. Review status: criteria provided, single submitter. Criteria: Athena Diagnostics Criteria. Collection method: clinical testing. Allele origin: germline.

Illumina Laboratory Services, Illumina
Classification: Uncertain significance for Autosomal recessive nonsyndromic hearing loss 2. Last evaluated: 2018-01-12. Review status: criteria provided, single submitter. Criteria: ICSL Variant Classification Criteria 13 December 2019. Collection method: clinical testing. Allele origin: germline.

Illumina Laboratory Services, Illumina
Classification: Benign for Autosomal dominant nonsyndromic hearing loss 11. Last evaluated: 2018-01-12. Review status: criteria provided, single submitter. Criteria: ICSL Variant Classification Criteria 13 December 2019. Collection method: clinical testing. Allele origin: germline.
Comment: This variant was observed in the ICSL laboratory as part of a predisposition screen in an ostensibly healthy population. It had not been previously curated by ICSL or reported in the Human Gene Mutation Database (HGMD: prior to June 1st, 2018), and was therefore a candidate for classification through an automated scoring system. Utilizing variant allele frequency, disease prevalence and penetrance estimates, and inheritance mode, an automated score was calculated to assess if this variant is too frequent to cause the disease. Based on the score and internal cut-off values, a variant classified as benign is not then subjected to further curation. The score for this variant resulted in a classification of benign for this disease.

Illumina Laboratory Services, Illumina
Classification: Likely benign for Usher syndrome type 1. Last evaluated: 2018-01-12. Review status: criteria provided, single submitter. Criteria: ICSL Variant Classification Criteria 13 December 2019. Collection method: clinical testing. Allele origin: germline.
Comment: This variant was observed in the ICSL laboratory as part of a predisposition screen in an ostensibly healthy population. It had not been previously curated by ICSL or reported in the Human Gene Mutation Database (HGMD: prior to June 1st, 2018), and was therefore a candidate for classification through an automated scoring system. Utilizing variant allele frequency, disease prevalence and penetrance estimates, and inheritance mode, an automated score was calculated to assess if this variant is too frequent to cause the disease. Based on the score and internal cut-off values, a variant classified as likely benign is not then subjected to further curation. The score for this variant resulted in a classification of likely benign for this disease.

GeneDx
Classification: Benign. Last evaluated: 2013-03-20. Review status: criteria provided, single submitter. Criteria: GeneDx Variant Classification (06012015). Collection method: clinical testing. Allele origin: germline. Affected: yes.
Comment: This variant is considered likely benign or benign based on one or more of the following criteria: it is a conservative change, it occurs at a poorly conserved position in the protein, it is predicted to be benign by multiple in silico algorithms, and/or has population frequency not consistent with disease.

Laboratory for Molecular Medicine, Mass General Brigham Personalized Medicine
Classification: Benign. Last evaluated: 2009-06-23. Review status: criteria provided, single submitter. Criteria: LMM Criteria. Collection method: clinical testing. Allele origin: germline. Observed: 71 variant alleles.

Natera, Inc.
Classification: Likely benign for Usher syndrome type 1B. Last evaluated: 2019-11-27. Review status: no assertion criteria provided. Collection method: clinical testing. Allele origin: germline. Not counted in ClinVar's aggregate classification.

Literature cited by the submitters: PubMed 9382091 (cited by Athena Diagnostics and Laboratory for Molecular Medicine, Mass General Brigham Personalized Medicine); PubMed 16470552 (cited by Athena Diagnostics and Laboratory for Molecular Medicine, Mass General Brigham Personalized Medicine); PubMed 10094549 (cited by Athena Diagnostics and Laboratory for Molecular Medicine, Mass General Brigham Personalized Medicine).

NM_000260.4(MYO7A):c.6519C>T (p.Asn2173=)

Gene: MYO7A (myosin VIIA; plus strand). Cytogenetic location: 11q13.5.
Variant type: single nucleotide variant.
Coding change: c.6519C>T on transcript NM_000260.4 (MANE Select); coding-DNA position 6519, C replaced by T.
Protein change: p.Asn2173=; no amino-acid change (asparagine 2173 retained).
Molecular consequence: synonymous variant.
Genome position (GRCh38, 1-based): chr11:77,213,940, C>T. VCF-style: chr11-77213940-C-T. GRCh37 (hg19) VCF-style: chr11-76924985-C-T.
Other names: p.N2173N:AAC>AAT; c.6399C>T, p.Asn2133= (NM_001127180.2); c.6372C>T, p.Asn2124= (NM_001369365.1).
Identifiers: ClinVar variation 43331 (VCV000043331.51), dbSNP rs111033230, ClinGen allele CA132436.